The following is an entry in ClinVar:

NM_207122.2(EXT2):c.588C>T (p.Pro196=)

Gene: EXT2 (exostosin glycosyltransferase 2; plus strand). Cytogenetic location: 11p11.2.
Variant type: single nucleotide variant.
Coding change: c.588C>T on transcript NM_207122.2 (MANE Select); coding-DNA position 588, C replaced by T.
Protein change: p.Pro196=; no amino-acid change (proline 196 retained).
Molecular consequence: synonymous variant.
Genome position (GRCh38, 1-based): chr11:44,109,245, C>T. VCF-style: chr11-44109245-C-T. GRCh37 (hg19) VCF-style: chr11-44130795-C-T.
Other names: c.687C>T, p.Pro229= (NM_000401.3); c.588C>T, p.Pro196= (NM_001178083.3, NM_001389628.1, NM_001389630.1); c.588C>T (NM_207122.1).
Identifiers: ClinVar variation 1541450 (VCV001541450.10), dbSNP rs200009614, ClinGen allele CA5954939.

ClinVar aggregate classification (germline): Likely benign. Review status: criteria provided, single submitter (1 of 4 stars). 2 submissions from 2 submitters: Likely benign (1). 1 of the submissions does not count toward it. Last evaluated 2025-11-13.

Conditions:
Exostoses, multiple, type 2 (EXT2). Also called: Hereditary Multiple Osteochondromatosis, Type II; EXOSTOSES, MULTIPLE, TYPE II. Identifiers: Orphanet 321, MedGen C1851413, MONDO:0007586, OMIM 133701.
EXT2-related disorder. Also called: EXT2-related condition.

Allele frequency attached by ClinVar (database versions not stated): ExAC 0.00003; gnomAD 0.00005; gnomAD exomes 0.00005; TOPMed 0.00009.
gnomAD v4.1: 36 of 1,613,848 alleles (0.0022%); highest among the groups gnomAD compares: Middle Eastern, 0.066%; no homozygotes.

Submissions (2):

Labcorp Genetics (formerly Invitae), Labcorp
Classification: Likely benign for Exostoses, multiple, type 2. Last evaluated: 2025-11-13. Review status: criteria provided, single submitter. Criteria: Invitae Variant Classification Sherloc (09022015). Collection method: clinical testing. Allele origin: germline.

PreventionGenetics, part of Exact Sciences
Classification: Likely benign for EXT2-related condition. Last evaluated: 2023-12-21. Review status: no assertion criteria provided. Collection method: clinical testing. Allele origin: germline. Not counted in ClinVar's aggregate classification.
Comment: This variant is classified as likely benign based on ACMG/AMP sequence variant interpretation guidelines (Richards et al. 2015 PMID: 25741868, with internal and published modifications).